The following is an entry in ClinVar:

ClinVar aggregate classification (germline): Uncertain significance (1 of 4 stars; one submission).

gnomAD v4.1: 6 of 1,614,150 alleles (0.00037%); highest among the groups gnomAD compares: Non-Finnish European, 0.00034%; no homozygotes.

Submission:

Labcorp Genetics (formerly Invitae), Labcorp
Classification: Uncertain significance. Last evaluated: 2024-03-08. Review status: criteria provided, single submitter. Criteria: Invitae Variant Classification Sherloc (09022015). Collection method: clinical testing. Allele origin: germline.
Comment: This sequence change replaces proline, which is neutral and non-polar, with alanine, which is neutral and non-polar, at codon 3718 of the TRRAP protein (p.Pro3718Ala). This variant is not present in population databases (gnomAD no frequency). This variant has not been reported in the literature in individuals affected with TRRAP-related conditions. Advanced modeling of protein sequence and biophysical properties (such as structural, functional, and spatial information, amino acid conservation, physicochemical variation, residue mobility, and thermodynamic stability) performed at Invitae indicates that this missense variant is expected to disrupt TRRAP protein function with a positive predictive value of 80%. In summary, the available evidence is currently insufficient to determine the role of this variant in disease. Therefore, it has been classified as a Variant of Uncertain Significance.

NM_001375524.1(TRRAP):c.11281C>G (p.Pro3761Ala)

Gene: TRRAP (transformation/transcription domain associated protein; plus strand). Cytogenetic location: 7q22.1.
Variant type: single nucleotide variant.
Coding change: c.11281C>G on transcript NM_001375524.1 (MANE Select); coding-DNA position 11281, C replaced by G.
Protein change: p.Pro3761Ala; replaces proline 3761 with alanine.
Molecular consequence: missense variant.
Genome position (GRCh38, 1-based): chr7:99,011,479, C>G. VCF-style: chr7-99011479-C-G. GRCh37 (hg19) VCF-style: chr7-98609102-C-G.
Other names: c.11239C>G, p.Pro3747Ala (NM_001244580.2); c.11152C>G, p.Pro3718Ala (NM_003496.4); short protein forms P3718A, P3747A, P3761A.
Identifiers: ClinVar variation 3675602 (VCV003675602.2).